The following is an entry in ClinVar:

ClinVar aggregate classification (germline): Likely benign. Review status: criteria provided, multiple submitters, no conflicts (2 of 4 stars). 2 submissions from 2 submitters: Likely benign (2). Last evaluated 2016-02-08.

Conditions:
Diabetic retinopathy. Identifiers: MedGen C0011884, MONDO:0005266.

Submissions (2):

GeneDx
Classification: Likely benign. Last evaluated: 2016-02-08. Review status: criteria provided, single submitter. Criteria: GeneDx Variant Classification (06012015). Collection method: clinical testing. Allele origin: germline. Affected: yes.
Comment: This variant is considered likely benign or benign based on one or more of the following criteria: it is a conservative change, it occurs at a poorly conserved position in the protein, it is predicted to be benign by multiple in silico algorithms, and/or has population frequency not consistent with disease.

Clinical Genomics, Uppaluri K&H Personalized Medicine Clinic
Classification: Likely benign for Diabetic retinopathy. Review status: criteria provided, single submitter. Criteria: K And H Uppaluri Personalized Medicine Clinic Variant Classification And Assertion Criteria Updated V 2. Collection method: research. Allele origin: unknown.
Comment: Potent mutations in TGFBR2 gene encodes the transforming growth factor that have been associated with angiogenesis and diabetic retinopathy. More clinical studies are needed for stronger association. However, more evidence is required to confer the association of this particular variant rs1064794518 with diabetic retinopathy.

Literature cited by the submitters: PubMed 30222965 (cited by Clinical Genomics, Uppaluri K&H Personalized Medicine Clinic); PubMed 28162229 (cited by Clinical Genomics, Uppaluri K&H Personalized Medicine Clinic); PubMed 34572573 (cited by Clinical Genomics, Uppaluri K&H Personalized Medicine Clinic).

NM_003242.6(TGFBR2):c.263+7_263+9delinsGAC

Gene: TGFBR2 (transforming growth factor beta receptor 2; plus strand). Cytogenetic location: 3p24.1.
Variant type: Indel.
Coding change: c.263+7_263+9delinsGAC on transcript NM_003242.6 (MANE Select); bases 7 to 9 of the intron after coding-DNA position 263, AAG replaced by GAC.
Molecular consequence: intron variant.
Genome position (GRCh38, 1-based): chr3:30,644,922-30,644,924, AAG replaced by GAC. VCF-style: chr3-30644922-AAG-GAC. GRCh37 (hg19) VCF-style: chr3-30686414-AAG-GAC.
Other names: c.158+7_158+9delinsGAC (NM_001407129.1, NM_001407132.1, NM_001407136.1 and 3 more transcripts); c.338+7_338+9delinsGAC (NM_001407126.1, NM_001024847.3, NM_001407139.1); c.169+21649_169+21651delinsGAC (NM_001407137.1); c.263+7_263+9delinsGAC (NM_001407127.1, NM_001407130.1); c.95-26716_95-26714delinsGAC (NM_001407138.1); c.290+7_290+9delinsGAC (NM_001407128.1).
Identifiers: ClinVar variation 420496 (VCV000420496.3), dbSNP rs1064794518, ClinGen allele CA16617866.